The following is an entry in ClinVar:

NM_001009944.3(PKD1):c.7341G>A (p.Thr2447=)

Gene: PKD1 (polycystin 1, transient receptor potential channel interacting; minus strand). Cytogenetic location: 16p13.3.
Variant type: single nucleotide variant.
Coding change: c.7341G>A on transcript NM_001009944.3 (MANE Select); coding-DNA position 7341, G replaced by A.
Protein change: p.Thr2447=; no amino-acid change (threonine 2447 retained).
Molecular consequence: synonymous variant.
Genome position (GRCh38, 1-based): chr16:2,106,546, C>T on the plus strand (G>A on the coding strand, the complement: PKD1 is on the minus strand). VCF-style: chr16-2106546-C-T. GRCh37 (hg19) VCF-style: chr16-2156547-C-T.
Other names: c.7341G>A, p.Thr2447= (NM_000296.4).
Identifiers: ClinVar variation 4927756 (VCV004927756.2).
Genomic context (GRCh38, chr16:2,106,546, plus strand): 5'-GGGGGACAGGCGGATGGAGGCGCAGCCCTCCTCCTCGCCAGAGCGGCCCAGCACCGTGAG[C>T]GTGAAGGTGTATCCCTCGCCGTCCCGCAGCACGCCCCGCCGCAGCACCAGTCGCATGCCT-3'
Protein context (NP_001009944.3, residues 2437-2457): VLRDGEGYTF[Thr2447=]LTVLGRSGEE

ClinVar aggregate classification (germline): Likely benign. Review status: criteria provided, multiple submitters, no conflicts (2 of 4 stars). 2 submissions from 2 submitters: Likely benign (2). Last evaluated 2025-06-04.

Conditions:
PKD1-related disorder. Also called: PKD1-related condition.

gnomAD v4.1: 25 of 1,596,576 alleles (0.0016%); highest among the groups gnomAD compares: Admixed American, 0.015%; no homozygotes.

Submissions (2):

PreventionGenetics, part of Exact Sciences
Classification: Likely benign for PKD1-related condition. Last evaluated: 2025-06-04. Review status: criteria provided, single submitter. Criteria: ACMG Guidelines, 2015. Collection method: clinical testing. Allele origin: germline.
Comment: This variant is classified as likely benign based on ACMG/AMP sequence variant interpretation guidelines (Richards et al. 2015 PMID: 25741868, with internal and published modifications).

Blueprint Genetics
Classification: Likely benign. Last evaluated: 2020-11-23. Review status: criteria provided, single submitter. Criteria: ACMG Guidelines, 2015. Collection method: clinical testing. Allele origin: germline.